The following is an entry in ClinVar:

ClinVar aggregate classification (germline): Uncertain significance. Review status: criteria provided, multiple submitters, no conflicts (2 of 4 stars). 3 submissions from 3 submitters: Uncertain significance (3). Last evaluated 2024-07-07.

Conditions:
Hereditary cancer-predisposing syndrome. Also called: Tumor predisposition; Hereditary neoplastic syndrome; Neoplastic Syndromes, Hereditary; Hereditary Cancer Syndrome. Identifiers: Orphanet 140162, MedGen C0027672, MeSH D009386, MONDO:0015356.
Familial adenomatous polyposis 1 (FAP1). Also called: POLYPOSIS, ADENOMATOUS INTESTINAL; FAMILIAL ADENOMATOUS POLYPOSIS 1, ATTENUATED. Identifiers: MedGen C2713442, MONDO:0021056, OMIM 175100. Disease mechanism: loss of function.

Submissions (3):

Ambry Genetics
Classification: Uncertain significance for Hereditary cancer-predisposing syndrome. Last evaluated: 2024-07-07. Review status: criteria provided, single submitter. Criteria: Ambry Variant Classification Scheme 2023. Collection method: clinical testing. Allele origin: germline.
Comment: The p.S2140T variant (also known as c.6418T>A), located in coding exon 15 of the APC gene, results from a T to A substitution at nucleotide position 6418. The serine at codon 2140 is replaced by threonine, an amino acid with similar properties. This amino acid position is conserved. In addition, in silico predictors for this gene do not accurately predict pathogenicity. Based on the available evidence, the clinical significance of this variant remains unclear.

Baylor Genetics
Classification: Uncertain significance for Familial adenomatous polyposis 1. Last evaluated: 2024-03-14. Review status: criteria provided, single submitter. Criteria: ACMG Guidelines, 2015. Collection method: clinical testing. Allele origin: unknown.

Labcorp Genetics (formerly Invitae), Labcorp
Classification: Uncertain significance for Familial adenomatous polyposis 1. Last evaluated: 2019-07-29. Review status: criteria provided, single submitter. Criteria: Invitae Variant Classification Sherloc (09022015). Collection method: clinical testing. Allele origin: germline.
Comment: This sequence change replaces serine with threonine at codon 2140 of the APC protein (p.Ser2140Thr). The serine residue is highly conserved and there is a small physicochemical difference between serine and threonine. This variant is not present in population databases (ExAC no frequency). This variant has not been reported in the literature in individuals with APC-related conditions. Algorithms developed to predict the effect of missense changes on protein structure and function are either unavailable or do not agree on the potential impact of this missense change (SIFT: "Deleterious"; PolyPhen-2: "Probably Damaging"; Align-GVGD: "Class C0"). In summary, the available evidence is currently insufficient to determine the role of this variant in disease. Therefore, it has been classified as a Variant of Uncertain Significance.

NM_000038.6(APC):c.6418T>A (p.Ser2140Thr)

Gene: APC (APC regulator of Wnt signaling pathway; plus strand). Cytogenetic location: 5q22.2.
Variant type: single nucleotide variant.
Coding change: c.6418T>A on transcript NM_000038.6 (MANE Select); coding-DNA position 6418, T replaced by A.
Protein change: p.Ser2140Thr; replaces serine 2140 with threonine.
Molecular consequence: missense variant.
Genome position (GRCh38, 1-based): chr5:112,842,012, T>A. VCF-style: chr5-112842012-T-A. GRCh37 (hg19) VCF-style: chr5-112177709-T-A.
Other names: c.6418T>A, p.Ser2140Thr (NM_001127510.3, NM_001354895.2); c.6364T>A, p.Ser2122Thr (NM_001127511.3); c.6472T>A, p.Ser2158Thr (NM_001354896.2); c.6448T>A, p.Ser2150Thr (NM_001354897.2); c.6343T>A, p.Ser2115Thr (NM_001354898.2); c.6334T>A, p.Ser2112Thr (NM_001354899.2); c.6295T>A, p.Ser2099Thr (NM_001354900.2); c.6241T>A, p.Ser2081Thr (NM_001354901.2); and 5 more; short protein forms S2039T, S1857T, S2049T, S2099T, S2112T, S2140T, S2158T, S1980T.
Identifiers: ClinVar variation 960421 (VCV000960421.13), dbSNP rs1740372436, ClinGen allele CA16035379.